The following is an entry in ClinVar:

ClinVar aggregate classification (germline): Conflicting classifications of pathogenicity. Review status: criteria provided, conflicting classifications (1 of 4 stars). 11 submissions from 11 submitters: Uncertain significance (9); Likely benign (1). 1 of the submissions does not count toward it. Last evaluated 2026-06-24.

Conditions:
ATM-related disorder. Also called: ATM-related disorders; ATM-related condition.
Hereditary cancer-predisposing syndrome. Also called: Neoplastic Syndromes, Hereditary; Hereditary Cancer Syndrome; Tumor predisposition; Hereditary neoplastic syndrome. Identifiers: Orphanet 140162, MedGen C0027672, MeSH D009386, MONDO:0015356.
Familial cancer of breast. Also called: Hereditary breast cancer; BREAST CANCER, FAMILIAL; hereditary breast carcinoma. Identifiers: Orphanet 227535, MedGen C0346153, MONDO:0016419, OMIM 114480. Disease mechanism: loss of function.
Ataxia-telangiectasia syndrome (AT). Also called: LOUIS-BAR SYNDROME; Cerebello-oculocutaneous telangiectasia; Immunodeficiency with ataxia telangiectasia; Ataxia-telangiectasia, complementation group D; AT, COMPLEMENTATION GROUP C; Ataxia-telangiectasia, complementation group E. Identifiers: Orphanet 100, MedGen C0004135, MONDO:0008840, OMIM 208900.

Allele frequency attached by ClinVar (database versions not stated): gnomAD exomes 0.00001 and below 0.00001; TOPMed 0.00008; gnomAD 0.00005 and 0.00007.
gnomAD v4.1: 14 of 1,613,466 alleles (0.00087%); highest among the groups gnomAD compares: African/African-American, 0.017%; no homozygotes.

Submissions (11):

Ambry Genetics
Classification: Likely benign for Hereditary cancer-predisposing syndrome. Last evaluated: 2026-06-24. Review status: criteria provided, single submitter. Criteria: Ambry Variant Classification Scheme 2023. Collection method: clinical testing. Allele origin: germline.

Women's Health and Genetics/Laboratory Corporation of America, LabCorp
Classification: Uncertain significance. Last evaluated: 2026-05-27. Review status: criteria provided, single submitter. Criteria: LabCorp Variant Classification Summary - May 2015. Collection method: clinical testing. Allele origin: germline.
Comment: Variant summary: ATM c.290T>C (p.Ile97Thr) results in a non-conservative amino acid change located in the telomere-length maintenance and DNA damage repair domain (IPR021668) of the encoded protein sequence. Algorithms developed to predict the effect of missense changes on protein structure and function are either unavailable or do not agree on the potential impact of this missense change. The variant allele was found at a frequency of 8e-06 in 250986 control chromosomes, predominantly at a frequency of 0.00012 within the African or African-American subpopulation in the gnomAD database. The variant has also been reported in 1 / 2559 African American women, who are older than age 70 and cancer free (FLOSSIES database). The available data on variant occurrences in the general population are insufficient to allow any conclusion about variant significance. c.290T>C has been observed in individual(s) affected with Lynch syndrome-associated cancer and/or polyps (Yurgelun_2015). These report(s) do not provide unequivocal conclusions about association of the variant with disease. To our knowledge, no experimental evidence demonstrating an impact on protein function has been reported. The following publication has been ascertained in the context of this evaluation (PMID: 25980754). ClinVar contains an entry for this variant (Variation ID: 186520). Based on the evidence outlined above, the variant was classified as uncertain significance.

Labcorp Genetics (formerly Invitae), Labcorp
Classification: Uncertain significance for Ataxia-telangiectasia syndrome. Last evaluated: 2025-01-26. Review status: criteria provided, single submitter. Criteria: Invitae Variant Classification Sherloc (09022015). Collection method: clinical testing. Allele origin: germline.
Comment: This sequence change replaces isoleucine, which is neutral and non-polar, with threonine, which is neutral and polar, at codon 97 of the ATM protein (p.Ile97Thr). This variant is present in population databases (rs786203011, gnomAD 0.02%). This missense change has been observed in individual(s) with Lynch syndrome-associated cancer and/or colorectal polyps (PMID: 25980754). ClinVar contains an entry for this variant (Variation ID: 186520). Invitae Evidence Modeling of protein sequence and biophysical properties (such as structural, functional, and spatial information, amino acid conservation, physicochemical variation, residue mobility, and thermodynamic stability) indicates that this missense variant is not expected to disrupt ATM protein function with a negative predictive value of 95%. In summary, the available evidence is currently insufficient to determine the role of this variant in disease. Therefore, it has been classified as a Variant of Uncertain Significance.

Color Diagnostics, LLC DBA Color Health
Classification: Uncertain significance for Hereditary cancer-predisposing syndrome. Last evaluated: 2024-08-21. Review status: criteria provided, single submitter. Criteria: ACMG Guidelines, 2015. Collection method: clinical testing. Allele origin: germline.
Comment: This missense variant replaces isoleucine with threonine at codon 97 of the ATM protein. Computational prediction suggests that this variant may not impact protein structure and function. To our knowledge, functional studies have not been reported for this variant. This variant has been reported in an individual affected with Lynch syndrome-associated cancer and/or polyps (PMID: 25980754). This variant has been identified in 5/282288 chromosomes in the general population by the Genome Aggregation Database (gnomAD). The available evidence is insufficient to determine the role of this variant in disease conclusively. Therefore, this variant is classified as a Variant of Uncertain Significance.

Baylor Genetics
Classification: Uncertain significance for Familial cancer of breast. Last evaluated: 2024-02-16. Review status: criteria provided, single submitter. Criteria: ACMG Guidelines, 2015. Collection method: clinical testing. Allele origin: unknown.

PreventionGenetics, part of Exact Sciences
Classification: Uncertain significance for ATM-related condition. Last evaluated: 2023-08-07. Review status: criteria provided, single submitter. Criteria: ACMG Guidelines, 2015. Collection method: clinical testing. Allele origin: germline.
Comment: The ATM c.290T>C variant is predicted to result in the amino acid substitution p.Ile97Thr. This variant has been reported in an individual undergoing Lynch syndrome hereditary cancer testing (Table S2. Yurgelun et al. 2015. PubMed ID: 25980754). This variant is reported in 0.020% of alleles in individuals of African descent in gnomAD. It is interpreted as uncertain significance in ClinVar. At this time, the clinical significance of this variant is uncertain due to the absence of conclusive functional and genetic evidence.

GeneDx
Classification: Uncertain significance. Last evaluated: 2023-06-13. Review status: criteria provided, single submitter. Criteria: GeneDx Variant Classification Process June 2021. Collection method: clinical testing. Allele origin: germline. Affected: yes.
Comment: In silico analysis supports that this missense variant has a deleterious effect on protein structure/function; Identified in individuals with Lynch-related cancer or polyps (Yurgelun et al., 2015); This variant is associated with the following publications: (PMID: 19781682, 23532176, 25980754)

Athena Diagnostics
Classification: Uncertain significance. Last evaluated: 2021-12-07. Review status: criteria provided, single submitter. Criteria: Athena Diagnostics Criteria. Collection method: clinical testing. Allele origin: unknown.

Eurofins Ntd Llc (ga)
Classification: Uncertain significance. Last evaluated: 2016-10-06. Review status: criteria provided, single submitter. Criteria: EGL Classification Definitions 2015. Collection method: clinical testing. Allele origin: germline. Observed: 1 variant allele, 1 heterozygote.

Center for Genomics, Ann and Robert H. Lurie Children's Hospital of Chicago
Classification: Uncertain significance for Ataxia-telangiectasia syndrome; Familial cancer of breast. Review status: criteria provided, single submitter. Criteria: ACMG Guidelines, 2015. Collection method: clinical testing. Allele origin: germline.
Comment: ATM NM_000051.3 exon 4 p.Ile97Thr (c.290T>C): This variant has been reported in the literature in 1 individual with a clinical suspicion of Lynch syndrome (Yurgelun 2015 PMID:25980754). This variant is present in 5/24000 African alleles in the Genome Aggregation Database. This variant is present in ClinVar with several entries as "Variant of Uncertain Significance" (Variation ID:186520). Evolutionary conservation and computational predictive tools for this variant are unclear. In summary, data on this variant is insufficient for disease classification. Therefore, the clinical significance of this variant is uncertain.

Natera, Inc.
Classification: Uncertain significance for Ataxia-telangiectasia. Last evaluated: 2020-12-18. Review status: no assertion criteria provided. Collection method: clinical testing. Allele origin: germline. Not counted in ClinVar's aggregate classification.

Literature cited by the submitters: PubMed 25980754 (cited by 4 submitters).

NM_000051.4(ATM):c.290T>C (p.Ile97Thr)

Gene: ATM (ATM serine/threonine kinase; plus strand). Cytogenetic location: 11q22.3.
Variant type: single nucleotide variant.
Coding change: c.290T>C on transcript NM_000051.4 (MANE Select); coding-DNA position 290, T replaced by C.
Protein change: p.Ile97Thr; replaces isoleucine 97 with threonine.
Molecular consequence: missense variant.
Genome position (GRCh38, 1-based): chr11:108,229,282, T>C. VCF-style: chr11-108229282-T-C. GRCh37 (hg19) VCF-style: chr11-108100009-T-C.
Other names: c.290T>C, p.Ile97Thr (NM_001351834.2, NM_001351835.2, NM_001351836.2); short protein forms I97T.
Identifiers: ClinVar variation 186520 (VCV000186520.43), dbSNP rs786203011, ClinGen allele CA195074.